The following is an entry in ClinVar:

ClinVar aggregate classification (germline): Uncertain significance (1 of 4 stars; one submission).

Conditions:
RASopathy. Also called: rasopathies; Noonan spectrum disorder. Identifiers: Orphanet 536391, MedGen C5555857, MONDO:0021060.

Submission:

Labcorp Genetics (formerly Invitae), Labcorp
Classification: Uncertain significance for RASopathy. Last evaluated: 2024-09-18. Review status: criteria provided, single submitter. Criteria: Invitae Variant Classification Sherloc (09022015). Collection method: clinical testing. Allele origin: germline.
Comment: This sequence change replaces arginine, which is basic and polar, with isoleucine, which is neutral and non-polar, at codon 123 of the KRAS protein (p.Arg123Ile). This variant is not present in population databases (gnomAD no frequency). This variant has not been reported in the literature in individuals affected with KRAS-related conditions. Invitae Evidence Modeling of protein sequence and biophysical properties (such as structural, functional, and spatial information, amino acid conservation, physicochemical variation, residue mobility, and thermodynamic stability) indicates that this missense variant is expected to disrupt KRAS protein function with a positive predictive value of 95%. In summary, the available evidence is currently insufficient to determine the role of this variant in disease. Therefore, it has been classified as a Variant of Uncertain Significance.

NM_004985.5(KRAS):c.368G>T (p.Arg123Ile)

Gene: KRAS (KRAS proto-oncogene, GTPase; minus strand). Cytogenetic location: 12p12.1.
Variant type: single nucleotide variant.
Coding change: c.368G>T on transcript NM_004985.5 (MANE Select); coding-DNA position 368, G replaced by T.
Protein change: p.Arg123Ile; replaces arginine 123 with isoleucine.
Molecular consequence: missense variant.
Genome position (GRCh38, 1-based): chr12:25,225,696, C>A on the plus strand (G>T on the coding strand, the complement: KRAS is on the minus strand). VCF-style: chr12-25225696-C-A. GRCh37 (hg19) VCF-style: chr12-25378630-C-A.
Other names: c.368G>T, p.Arg123Ile (NM_001369786.1, NM_001369787.1, NM_033360.4); short protein forms R123I.
Identifiers: ClinVar variation 3635066 (VCV003635066.2).
Genomic context (GRCh38, chr12:25,225,696, plus strand): 5'-TCAATAAAAGGAATTCCATAACTTCTTGCTAAGTCCTGAGCCTGTTTTGTGTCTACTGTT[C>A]TAGAAGGCAAATCACATTTATTTCCTACTAGGACCATAGGTACATCTTCAGAGTCCTTAA-3'
Protein context (NP_004976.2, residues 113-133): LVGNKCDLPS[Arg123Ile]TVDTKQAQDL